The following is an entry in ClinVar:

ClinVar aggregate classification (germline): Conflicting classifications of pathogenicity. Review status: criteria provided, conflicting classifications (1 of 4 stars). 2 submissions from 2 submitters: Likely pathogenic (1); Uncertain significance (1). Last evaluated 2025-03-21.

Conditions:
Hereditary cancer-predisposing syndrome. Also called: Neoplastic Syndromes, Hereditary; Hereditary Cancer Syndrome; Tumor predisposition; Hereditary neoplastic syndrome. Identifiers: Orphanet 140162, MedGen C0027672, MeSH D009386, MONDO:0015356.
Hereditary breast ovarian cancer syndrome. Also called: Hereditary breast and ovarian cancer; Hereditary breast and/or ovarian cancer syndrome; Hereditary breast and ovarian cancer syndrome; Hereditary breast and ovarian cancer syndrome (HBOC); Breast and ovarian cancer; BRCA1- and BRCA2-Associated Hereditary Breast and Ovarian Cancer. Identifiers: Orphanet 145, MedGen C0677776, MeSH D061325, MONDO:0003582. Disease mechanism: loss of function.

Submissions (2):

Ambry Genetics
Classification: Likely pathogenic for Hereditary cancer-predisposing syndrome. Last evaluated: 2025-03-21. Review status: criteria provided, single submitter. Criteria: Ambry Variant Classification Scheme 2023. Collection method: clinical testing. Allele origin: germline.
Comment: The p.K2657E variant (also known as c.7969A>G), located in coding exon 16 of the BRCA2 gene, results from an A to G substitution at nucleotide position 7969. The lysine at codon 2657 is replaced by glutamic acid, an amino acid with similar properties. Two saturation genome editing-based studies, including a haploid cell-survival assay and a humanized mouse embryonic stem cell line assay of drug response and survival, demonstrate that this nucleotide substitution is non-functional (Huang H et al. Nature. 2025 Feb;638(8050):528-537; Sahu S et al. Nature. 2025 Feb;638(8050):538-545). Based on internal structural analysis, K2657E is deleterious. The variant is moderately destabilizing to the local structure (Marston NJ et al. Mol Cell Biol, 1999 Jul;19:4633-42; Li J et al. Oncogene, 2006 Feb;25:1186-94; Ambry internal data). This amino acid position is highly conserved in available vertebrate species. In addition, this alteration is predicted to be deleterious by in silico analysis. Based on the majority of available evidence to date, this variant is likely to be pathogenic.

Labcorp Genetics (formerly Invitae), Labcorp
Classification: Uncertain significance for Hereditary breast ovarian cancer syndrome. Last evaluated: 2022-02-03. Review status: criteria provided, single submitter. Criteria: Invitae Variant Classification Sherloc (09022015). Collection method: clinical testing. Allele origin: germline.
Comment: This sequence change replaces lysine, which is basic and polar, with glutamic acid, which is acidic and polar, at codon 2657 of the BRCA2 protein (p.Lys2657Glu). This variant is not present in population databases (gnomAD no frequency). This variant has not been reported in the literature in individuals affected with BRCA2-related conditions. Advanced modeling of protein sequence and biophysical properties (such as structural, functional, and spatial information, amino acid conservation, physicochemical variation, residue mobility, and thermodynamic stability) performed at Invitae indicates that this missense variant is expected to disrupt BRCA2 protein function. RNA analysis performed to evaluate the impact of this missense change on mRNA splicing indicates it does not significantly alter splicing (Invitae). In summary, the available evidence is currently insufficient to determine the role of this variant in disease. Therefore, it has been classified as a Variant of Uncertain Significance.

Literature cited by the submitters: PubMed 10373512 (cited by Ambry Genetics); PubMed 16205630 (cited by Ambry Genetics); PubMed 39779848 (cited by Ambry Genetics); PubMed 39779857 (cited by Ambry Genetics).

NM_000059.4(BRCA2):c.7969A>G (p.Lys2657Glu)

Gene: BRCA2 (BRCA2 DNA repair associated; plus strand). Cytogenetic location: 13q13.1.
Variant type: single nucleotide variant.
Coding change: c.7969A>G on transcript NM_000059.4 (MANE Select); coding-DNA position 7969, A replaced by G.
Protein change: p.Lys2657Glu; replaces lysine 2657 with glutamic acid.
Molecular consequence: missense variant.
Genome position (GRCh38, 1-based): chr13:32,362,686, A>G. VCF-style: chr13-32362686-A-G. GRCh37 (hg19) VCF-style: chr13-32936823-A-G.
Other names: c.7969A>G (NM_000059.3); short protein forms K2657E.
Identifiers: ClinVar variation 1376275 (VCV001376275.8), dbSNP rs2137577993, ClinGen allele CA387747324.